The following is an entry in ClinVar:

ClinVar aggregate classification (germline): Likely pathogenic (1 of 4 stars; one submission).

Conditions:
MHC class II deficiency. Also called: BLS, TYPE II; Bare lymphocyte syndrome 2. Identifiers: Orphanet 572, MedGen C5447452, MONDO:0008855.

Submission:

Natera, Inc.
Classification: Likely pathogenic for Bare lymphocyte syndrome type II. Last evaluated: 2026-01-22. Review status: criteria provided, single submitter. Criteria: Natera Variant Classification Schema (03/2026). Collection method: clinical testing. Allele origin: germline.
Comment: The c.3001_3008dupGACGAGGG variant in CIITA is a frameshift variant predicted to shift the reading frame beginning at codon 1004 and leads to a stop codon 14 codons downstream. This variant is expected to result in nonsense mediated decay, truncation, or a dysfunctional protein product. This variant is rare in the general population with a frequency below the threshold expected for the associated phenotype(s). Given the available evidence, this variant is classified as Likely Pathogenic.

NM_000246.4(CIITA):c.3001_3008dup (p.Val1004fs)

Gene: CIITA (class II major histocompatibility complex transactivator; plus strand). Cytogenetic location: 16p13.13.
Variant type: Duplication.
Coding change: c.3001_3008dup on transcript NM_000246.4 (MANE Select); coding-DNA positions 3001 to 3008, 8 bases duplicated (GACGAGGG; older notation c.3001_3008dupGACGAGGG).
Protein change: p.Val1004fs; shifts the reading frame from valine 1004.
Molecular consequence: frameshift variant. On other transcripts: non-coding transcript variant (1).
Genome position (GRCh38, 1-based): chr16:10,916,398-10,916,405, GACGAGGG duplicated; duplicating any 8 consecutive bases within chr16:10,916,395-10,916,405 gives the same sequence; the c. name uses the placement nearest the transcript's 3' end. VCF-style (leftmost placement, unchanged base first): chr16-10916394-C-CGGGGACGA. GRCh37 (hg19) VCF-style: chr16-11010251-C-CGGGGACGA.
Other names: c.3004_3011dup, p.Val1005fs (NM_001286402.1, NM_001379332.1); c.1249_1256dup, p.Val420fs (NM_001286403.2); c.2857_2864dup, p.Val956fs (NM_001379330.1); c.2854_2861dup, p.Val955fs (NM_001379331.1); c.3001_3008dup, p.Val1004fs (NM_001379333.1); c.2932_2939dup, p.Val981fs (NM_001379334.1); c.3001_3008dupGACGAGGG (NM_000246.3); short protein forms V1004fs, V1005fs, V420fs, V955fs, V956fs, V981fs.
Identifiers: ClinVar variation 4817978 (VCV004817978.1).
Genomic context (GRCh38, chr16:10,916,394, plus strand): 5'-TAGCTGATGGCCCCCATCTGATTCCACCTGCAGCCTGGATGCGCTGAGTGAGAACAAGAT[C>CGGGGACGA]GGGGACGAGGGTGTCTCGCAGCTCTCAGCCACCTTCCCCCAGCTGAAGTCCTTGGAAACC-3'